The following is an entry in ClinVar:

NM_001035.3(RYR2):c.13314A>C (p.Glu4438Asp)

Gene: RYR2 (ryanodine receptor 2; plus strand). Cytogenetic location: 1q43.
Variant type: single nucleotide variant.
Coding change: c.13314A>C on transcript NM_001035.3 (MANE Select); coding-DNA position 13314, A replaced by C.
Protein change: p.Glu4438Asp; replaces glutamic acid 4438 with aspartic acid.
Molecular consequence: missense variant.
Genome position (GRCh38, 1-based): chr1:237,786,022, A>C. VCF-style: chr1-237786022-A-C. GRCh37 (hg19) VCF-style: chr1-237949322-A-C.
Other names: short protein forms E4438D.
Identifiers: ClinVar variation 3073071 (VCV003073071.1), dbSNP rs2527821311, ClinGen allele CA345415951.

ClinVar aggregate classification (germline): Uncertain significance (1 of 4 stars; one submission).

Conditions:
Catecholaminergic polymorphic ventricular tachycardia (CVPT). Also called: Catecholamine-induced polymorphic ventricular tachycardia. Identifiers: Orphanet 3286, MedGen C5574922, MONDO:0017990.

Submission:

All of Us Research Program, National Institutes of Health
Classification: Uncertain significance for Catecholaminergic polymorphic ventricular tachycardia. Last evaluated: 2023-11-30. Review status: criteria provided, single submitter. Criteria: ACMG Guidelines, 2015. Collection method: clinical testing. Allele origin: germline. Inheritance: Autosomal dominant inheritance. Observed: 3 variant alleles, 3 heterozygotes.
Comment: This study involves interpretation of variants in research participants for the purpose of population health screening. Participant phenotype was not available at the time of variant classification. Additional details can be found in publication PMID: 35346344, PMCID: PMC8962531